The following is an entry in ClinVar:

ClinVar aggregate classification (germline): Uncertain significance. Review status: criteria provided, single submitter (1 of 4 stars). 2 submissions from 2 submitters: Uncertain significance (1). 1 of the submissions does not count toward it. Last evaluated 2019-05-15.

Conditions:
Developmental delay with variable intellectual disability and dysmorphic facies. Identifiers: MedGen C5774242, MONDO:0859306, OMIM 620098.

Submissions (2):

GeneDx
Classification: Uncertain significance. Last evaluated: 2019-05-15. Review status: criteria provided, single submitter. Criteria: GeneDx Variant Classification Process June 2021. Collection method: clinical testing. Allele origin: germline. Affected: yes.
Comment: Not observed in large population cohorts (Lek et al., 2016); Frameshift variant predicted to result in protein truncation or nonsense mediated decay in a gene for which loss-of-function is not a known mechanism of disease; Has not been previously published as pathogenic or benign to our knowledge; Variants in candidate genes are classified as variants of uncertain significance in accordance with ACMG guidelines (Richards et al., 2015)

OMIM
Classification: Pathogenic for DEVELOPMENTAL DELAY WITH VARIABLE INTELLECTUAL DISABILITY AND DYSMORPHIC FACIES. Last evaluated: 2022-11-02. Review status: no assertion criteria provided. Collection method: literature only. Allele origin: germline. Not counted in ClinVar's aggregate classification.

Literature cited by the submitters: PubMed 35887345 (cited by OMIM); PubMed 33077894 (cited by OMIM).

NM_004973.4(JARID2):c.2866dup (p.Glu956fs)

Gene: JARID2 (jumonji and AT-rich interaction domain containing 2; plus strand). Cytogenetic location: 6p22.3.
Variant type: Duplication.
Coding change: c.2866dup on transcript NM_004973.4 (MANE Select); coding-DNA position 2866, one base duplicated (G; older notation c.2866dupG).
Protein change: p.Glu956fs; shifts the reading frame from glutamic acid 956.
Molecular consequence: frameshift variant.
Genome position (GRCh38, 1-based): chr6:15,511,315, G duplicated; the last of 2 consecutive G bases (chr6:15,511,314-15,511,315); duplicating either gives the same sequence. VCF-style (leftmost placement, unchanged base first): chr6-15511313-A-AG. GRCh37 (hg19) VCF-style: chr6-15511544-A-AG.
Other names: c.2350dup, p.Glu784fs (NM_001267040.1); c.2866dupG (NM_004973.4); short protein forms E784fs, E956fs.
Identifiers: ClinVar variation 1305853 (VCV001305853.3), dbSNP rs2127763688, ClinGen allele CA2573052626.